The following is an entry in ClinVar:

ClinVar aggregate classification (germline): Uncertain significance. Review status: criteria provided, multiple submitters, no conflicts (2 of 4 stars). 2 submissions from 2 submitters: Uncertain significance (2). Last evaluated 2026-06-30.

Conditions:
ERCC4-related disorder. Also called: ERCC4-related condition.
Cockayne syndrome. Identifiers: Orphanet 191, MedGen C0009207, MONDO:0016006.
Fanconi anemia complementation group Q. Identifiers: Orphanet 84, MedGen C3808988, MONDO:0014108, OMIM 615272.
Xeroderma pigmentosum, group F (XPF). Also called: XERODERMA PIGMENTOSUM, COMPLEMENTATION GROUP F; XERODERMA PIGMENTOSUM VI; XP, GROUP F; ERCC4-Related Xeroderma Pigmentosum; XERODERMA PIGMENTOSUM, TYPE F; Xeroderma pigmentosum, type 6. Identifiers: MedGen C0268140, MONDO:0010215, OMIM 278760.

Allele frequency attached by ClinVar (database versions not stated): ExAC 0.00001; gnomAD exomes 0.00001; TOPMed 0.00003.
gnomAD v4.1: 7 of 1,598,110 alleles (0.00044%); highest among the groups gnomAD compares: Admixed American, 0.0067%; no homozygotes.

Submissions (2):

PreventionGenetics, part of Exact Sciences
Classification: Uncertain significance for ERCC4-related condition. Last evaluated: 2026-06-30. Review status: criteria provided, single submitter. Criteria: ACMG Guidelines, 2015. Collection method: clinical testing. Allele origin: germline.
Comment: The ERCC4 c.1212A>G variant is not predicted to result in an amino acid change (p.=). To our knowledge, this variant has not been reported in the literature. This variant is predicted to alter splicing based on available splicing prediction programs (SpliceAI, Jaganathan et al. 2019. PubMed ID: 30661751). However, the use of computer prediction programs is not equivalent to functional evidence. This variant is reported in 0.0029% of alleles in individuals of Latino descent in gnomAD. At this time, the clinical significance of this variant is uncertain due to the absence of conclusive functional and genetic evidence.

Labcorp Genetics (formerly Invitae), Labcorp
Classification: Uncertain significance for Fanconi anemia complementation group Q; Xeroderma pigmentosum, group F; Cockayne syndrome. Last evaluated: 2022-10-29. Review status: criteria provided, single submitter. Criteria: Invitae Variant Classification Sherloc (09022015). Collection method: clinical testing. Allele origin: germline.
Comment: ClinVar contains an entry for this variant (Variation ID: 408564). This variant has not been reported in the literature in individuals affected with ERCC4-related conditions. This variant is present in population databases (rs752193295, gnomAD 0.003%). This sequence change affects codon 404 of the ERCC4 mRNA. It is a 'silent' change, meaning that it does not change the encoded amino acid sequence of the ERCC4 protein. It affects a nucleotide within the consensus splice site. Algorithms developed to predict the effect of sequence changes on RNA splicing suggest that this variant may disrupt the consensus splice site. In summary, the available evidence is currently insufficient to determine the role of this variant in disease. Therefore, it has been classified as a Variant of Uncertain Significance.

NM_005236.3(ERCC4):c.1212A>G (p.Pro404=)

Gene: ERCC4 (ERCC excision repair 4, endonuclease catalytic subunit; plus strand). Cytogenetic location: 16p13.12.
Variant type: single nucleotide variant.
Coding change: c.1212A>G on transcript NM_005236.3 (MANE Select); coding-DNA position 1212, A replaced by G.
Protein change: p.Pro404=; no amino-acid change (proline 404 retained).
Molecular consequence: synonymous variant.
Genome position (GRCh38, 1-based): chr16:13,934,301, A>G. VCF-style: chr16-13934301-A-G. GRCh37 (hg19) VCF-style: chr16-14028158-A-G.
Identifiers: ClinVar variation 408564 (VCV000408564.8), dbSNP rs752193295, ClinGen allele CA7910415.